The following is an entry in ClinVar:

ClinVar aggregate classification (germline): Uncertain significance. Review status: criteria provided, multiple submitters, no conflicts (2 of 4 stars). 2 submissions from 2 submitters: Uncertain significance (2). Last evaluated 2024-12-03.

Submissions (2):

Ambry Genetics
Classification: Uncertain significance. Last evaluated: 2024-12-03. Review status: criteria provided, single submitter. Criteria: Ambry Variant Classification Scheme 2023. Collection method: clinical testing. Allele origin: germline.

Labcorp Genetics (formerly Invitae), Labcorp
Classification: Uncertain significance. Last evaluated: 2023-06-06. Review status: criteria provided, single submitter. Criteria: Invitae Variant Classification Sherloc (09022015). Collection method: clinical testing. Allele origin: germline.
Comment: An algorithm developed to predict the effect of missense changes on protein structure and function (PolyPhen-2) suggests that this variant is likely to be disruptive. This sequence change replaces serine, which is neutral and polar, with cysteine, which is neutral and slightly polar, at codon 173 of the IFNAR1 protein (p.Ser173Cys). This variant is not present in population databases (gnomAD no frequency). This variant has not been reported in the literature in individuals affected with IFNAR1-related conditions. ClinVar contains an entry for this variant (Variation ID: 2323740). Algorithms developed to predict the effect of sequence changes on RNA splicing suggest that this variant may disrupt the consensus splice site. In summary, the available evidence is currently insufficient to determine the role of this variant in disease. Therefore, it has been classified as a Variant of Uncertain Significance.

NM_000629.3(IFNAR1):c.518C>G (p.Ser173Cys)

Gene: IFNAR1 (interferon alpha and beta receptor subunit 1; plus strand). Cytogenetic location: 21q22.11.
Variant type: single nucleotide variant.
Coding change: c.518C>G on transcript NM_000629.3 (MANE Select); coding-DNA position 518, C replaced by G.
Protein change: p.Ser173Cys; replaces serine 173 with cysteine.
Molecular consequence: missense variant. On other transcripts: 5 prime UTR variant (1).
Genome position (GRCh38, 1-based): chr21:33,343,409, C>G. VCF-style: chr21-33343409-C-G. GRCh37 (hg19) VCF-style: chr21-34715715-C-G.
Other names: c.518C>G, p.Ser173Cys (NM_001384498.1, NM_001384499.1, NM_001384501.1 and 1 more transcripts); c.-269C>G (NM_001384500.1); c.56C>G, p.Ser19Cys (NM_001384502.1); c.311C>G, p.Ser104Cys (NM_001384504.1); short protein forms S104C, S173C, S19C.
Identifiers: ClinVar variation 2323740 (VCV002323740.6), dbSNP rs1445005547, ClinGen allele CA410107550.